The following is an entry in ClinVar:

ClinVar aggregate classification (germline): Uncertain significance. Review status: criteria provided, multiple submitters, no conflicts (2 of 4 stars). 4 submissions from 4 submitters: Uncertain significance (4). Last evaluated 2026-01-13.

Conditions:
Pheochromocytoma/paraganglioma syndrome 5. Also called: Paragangliomas 5; SDHA-Related Hereditary Paraganglioma-Pheochromocytoma Syndrome. Identifiers: Orphanet 29072, MedGen C3279992, MONDO:0013602, OMIM 614165.
Mitochondrial complex II deficiency, nuclear type 1. Also called: SUCCINATE CoQ REDUCTASE DEFICIENCY. Identifiers: Orphanet 3208, MedGen C5700310, MONDO:0100294, OMIM 252011.
Dilated cardiomyopathy 1GG (CMD1GG). Identifiers: Orphanet 154, MedGen C3150898, MONDO:0013339, OMIM 613642.
Hereditary cancer-predisposing syndrome. Also called: Tumor predisposition; Neoplastic Syndromes, Hereditary; Hereditary Cancer Syndrome; Hereditary neoplastic syndrome. Identifiers: Orphanet 140162, MedGen C0027672, MeSH D009386, MONDO:0015356.

Allele frequency attached by ClinVar (database versions not stated): TOPMed below 0.00001.
gnomAD v4.1: 18 of 1,614,012 alleles (0.0011%); highest among the groups gnomAD compares: Non-Finnish European, 0.0015%; no homozygotes.

Submissions (4):

Labcorp Genetics (formerly Invitae), Labcorp
Classification: Uncertain significance for Pheochromocytoma/paraganglioma syndrome 5; Mitochondrial complex II deficiency, nuclear type 1. Last evaluated: 2026-01-13. Review status: criteria provided, single submitter. Criteria: Invitae Variant Classification Sherloc (09022015). Collection method: clinical testing. Allele origin: germline.
Comment: This sequence change replaces threonine, which is neutral and polar, with isoleucine, which is neutral and non-polar, at codon 262 of the SDHA protein (p.Thr262Ile). This variant is not present in population databases (gnomAD no frequency). This variant has not been reported in the literature in individuals affected with SDHA-related conditions. ClinVar contains an entry for this variant (Variation ID: 658469). Invitae Evidence Modeling of protein sequence and biophysical properties (such as structural, functional, and spatial information, amino acid conservation, physicochemical variation, residue mobility, and thermodynamic stability) indicates that this missense variant is not expected to disrupt SDHA protein function with a negative predictive value of 95%. In summary, the available evidence is currently insufficient to determine the role of this variant in disease. Therefore, it has been classified as a Variant of Uncertain Significance.

Ambry Genetics
Classification: Uncertain significance for Hereditary cancer-predisposing syndrome. Last evaluated: 2025-11-01. Review status: criteria provided, single submitter. Criteria: Ambry Variant Classification Scheme 2023. Collection method: clinical testing. Allele origin: germline.
Comment: The p.T262I variant (also known as c.785C>T), located in coding exon 7 of the SDHA gene, results from a C to T substitution at nucleotide position 785. The threonine at codon 262 is replaced by isoleucine, an amino acid with similar properties. This amino acid position is highly conserved in available vertebrate species. In addition, the in silico prediction for this alteration is inconclusive. Since supporting evidence is limited at this time, the clinical significance of this alteration remains unclear.

St. Jude Molecular Pathology, St. Jude Children's Research Hospital
Classification: Uncertain significance for Pheochromocytoma/paraganglioma syndrome 5. Last evaluated: 2025-06-17. Review status: criteria provided, single submitter. Criteria: St. Jude Assertion Criteria 2020. Collection method: clinical testing. Allele origin: germline.
Comment: The SDHA c.785C>T p.(Thr262Ile) missense change is absent in gnomAD v2.1.1. The in silico tool REVEL is inconclusive about a pathogenic or benign effect of this variant on protein function, and to our knowledge functional studies have not been performed. To our knowledge, this variant has not been reported in individuals with SDHA-associated tumors. In summary, the evidence currently available is insufficient to determine the clinical significance of this variant. It has therefore been classified as of uncertain significance.

Baylor Genetics
Classification: Uncertain significance for Dilated cardiomyopathy 1GG. Last evaluated: 2024-03-11. Review status: criteria provided, single submitter. Criteria: ACMG Guidelines, 2015. Collection method: clinical testing. Allele origin: unknown.

NM_004168.4(SDHA):c.785C>T (p.Thr262Ile)

Gene: SDHA (succinate dehydrogenase complex flavoprotein subunit A; plus strand). Cytogenetic location: 5p15.33.
Variant type: single nucleotide variant.
Coding change: c.785C>T on transcript NM_004168.4 (MANE Select); coding-DNA position 785, C replaced by T.
Protein change: p.Thr262Ile; replaces threonine 262 with isoleucine.
Molecular consequence: missense variant.
Genome position (GRCh38, 1-based): chr5:230,890, C>T. VCF-style: chr5-230890-C-T. GRCh37 (hg19) VCF-style: chr5-231005-C-T.
Other names: c.641C>T, p.Thr214Ile (NM_001294332.2); c.785C>T, p.Thr262Ile (NM_001330758.2); short protein forms T214I, T262I.
Identifiers: ClinVar variation 658469 (VCV000658469.20), dbSNP rs1579397115, ClinGen allele CA359011559.